The following is an entry in ClinVar:

NM_001018116.2(CAVIN4):c.692G>A (p.Arg231Lys)

Gene: CAVIN4 (caveolae associated protein 4; plus strand). Cytogenetic location: 9q31.1.
Variant type: single nucleotide variant.
Coding change: c.692G>A on transcript NM_001018116.2 (MANE Select); coding-DNA position 692, G replaced by A.
Protein change: p.Arg231Lys; replaces arginine 231 with lysine.
Molecular consequence: missense variant.
Genome position (GRCh38, 1-based): chr9:100,586,048, G>A. VCF-style: chr9-100586048-G-A. GRCh37 (hg19) VCF-style: chr9-103348330-G-A.
Other names: short protein forms R231K.
Identifiers: ClinVar variation 504775 (VCV000504775.9), dbSNP rs114540433, ClinGen allele CA5160137.

ClinVar aggregate classification (germline): Likely benign. Review status: criteria provided, multiple submitters, no conflicts (2 of 4 stars). 3 submissions from 3 submitters: Likely benign (2). 1 of the submissions does not count toward it. Last evaluated 2021-01-19.

Conditions:
CAVIN4-related disorder. Also called: CAVIN4-related condition.

Allele frequency attached by ClinVar (database versions not stated): gnomAD exomes 0.00008 and 0.00018; ExAC 0.00026; gnomAD 0.00079 and 0.00084; TOPMed 0.00094; ESP Exome Variant Server 0.00100; 1000 Genomes Project 0.00180.
gnomAD v4.1: 239 of 1,603,358 alleles (0.015%); highest among the groups gnomAD compares: African/African-American, 0.27%; 1 homozygote.

Submissions (3):

GeneDx
Classification: Likely benign. Last evaluated: 2021-01-19. Review status: criteria provided, single submitter. Criteria: GeneDx Variant Classification Process June 2021. Collection method: clinical testing. Allele origin: germline. Affected: yes.

Laboratory for Molecular Medicine, Mass General Brigham Personalized Medicine
Classification: Likely benign. Last evaluated: 2018-01-22. Review status: criteria provided, single submitter. Criteria: LMM Criteria. Collection method: clinical testing. Allele origin: germline. Observed: 1 variant allele.
Comment: p.Arg231Lys in exon 2 of MURC: This variant is not expected to have clinical sig nificance because it has been identified in 0.27% (64/24038) of African chromoso mes by the Genome Aggregation Database (gnomAD ; dbSNP rs114540433). ACMG/AMP Criteria applied: BS1.

PreventionGenetics, part of Exact Sciences
Classification: Likely benign for CAVIN4-related condition. Last evaluated: 2024-03-12. Review status: no assertion criteria provided. Collection method: clinical testing. Allele origin: germline. Not counted in ClinVar's aggregate classification.
Comment: This variant is classified as likely benign based on ACMG/AMP sequence variant interpretation guidelines (Richards et al. 2015 PMID: 25741868, with internal and published modifications).